The following is an entry in ClinVar:

ClinVar aggregate classification (germline): Pathogenic (1 of 4 stars; one submission).

Conditions:
Osteogenesis imperfecta type I (OI1). Also called: Lobstein's Disease; Classic Non-deforming Osteogenesis Imperfecta with Blue Sclerae; OI, TYPE I; OSTEOGENESIS IMPERFECTA TARDA; OSTEOGENESIS IMPERFECTA WITH BLUE SCLERAE; Osteogenesis imperfecta type 1. Identifiers: Orphanet 216796, Orphanet 666, MedGen C0023931, MONDO:0008146, OMIM 166200. Disease mechanism: loss of function.

Submission:

Labcorp Genetics (formerly Invitae), Labcorp
Classification: Pathogenic for Osteogenesis imperfecta type I. Last evaluated: 2025-02-09. Review status: criteria provided, single submitter. Criteria: Invitae Variant Classification Sherloc (09022015). Collection method: clinical testing. Allele origin: germline.
Comment: This sequence change creates a premature translational stop signal (p.Gly1272Valfs*4) in the COL1A1 gene. It is expected to result in an absent or disrupted protein product. Loss-of-function variants in COL1A1 are known to be pathogenic (PMID: 7942841, 9295084, 9443882). This variant is not present in population databases (gnomAD no frequency). This variant has not been reported in the literature in individuals affected with COL1A1-related conditions. ClinVar contains an entry for this variant (Variation ID: 654539). Algorithms developed to predict the effect of sequence changes on RNA splicing suggest that this variant may disrupt the consensus splice site. For these reasons, this variant has been classified as Pathogenic.

Literature cited by the submitters: PubMed 7942841; PubMed 9295084; PubMed 9443882.

NC_000017.11:g.50186505_50186509del

Gene: COL1A1 (collagen type I alpha 1 chain; minus strand). Cytogenetic location: 17q21.33.
Variant type: Deletion.
Genome position: GRCh38 VCF-style: chr17-50186502-ACTCTC-A. GRCh37 (hg19) VCF-style: chr17-48263863-ACTCTC-A.
Other names: c.3815_3819del (NM_000088.3).
Identifiers: ClinVar variation 654539 (VCV000654539.10), dbSNP rs1598285125, ClinGen allele CA915950590.